The following is an entry in ClinVar:

NM_006231.4(POLE):c.4850T>G (p.Ile1617Ser)

Gene: POLE (DNA polymerase epsilon, catalytic subunit; minus strand). Cytogenetic location: 12q24.33.
Variant type: single nucleotide variant.
Coding change: c.4850T>G on transcript NM_006231.4 (MANE Select); coding-DNA position 4850, T replaced by G.
Protein change: p.Ile1617Ser; replaces isoleucine 1617 with serine.
Molecular consequence: missense variant.
Genome position (GRCh38, 1-based): chr12:132,642,608, A>C on the plus strand (T>G on the coding strand, the complement: POLE is on the minus strand). VCF-style: chr12-132642608-A-C. GRCh37 (hg19) VCF-style: chr12-133219194-A-C.
Other names: short protein forms I1617S.
Identifiers: ClinVar variation 839864 (VCV000839864.9), dbSNP rs2042173763, ClinGen allele CA387378162.

ClinVar aggregate classification (germline): Uncertain significance (1 of 4 stars; one submission).

Submission:

Labcorp Genetics (formerly Invitae), Labcorp
Classification: Uncertain significance. Last evaluated: 2019-11-26. Review status: criteria provided, single submitter. Criteria: Invitae Variant Classification Sherloc (09022015). Collection method: clinical testing. Allele origin: germline.
Comment: In summary, the available evidence is currently insufficient to determine the role of this variant in disease. Therefore, it has been classified as a Variant of Uncertain Significance. Algorithms developed to predict the effect of missense changes on protein structure and function (SIFT, PolyPhen-2, Align-GVGD) all suggest that this variant is likely to be tolerated, but these predictions have not been confirmed by published functional studies and their clinical significance is uncertain. This variant has not been reported in the literature in individuals with POLE-related conditions. This variant is not present in population databases (ExAC no frequency). This sequence change replaces isoleucine with serine at codon 1617 of the POLE protein (p.Ile1617Ser). The isoleucine residue is moderately conserved and there is a large physicochemical difference between isoleucine and serine.